The following is an entry in ClinVar:

NM_001085487.3(MYSM1):c.2275G>A (p.Val759Ile)

Gene: MYSM1 (Myb like, SWIRM and MPN domains 1; minus strand). Cytogenetic location: 1p32.1.
Variant type: single nucleotide variant.
Coding change: c.2275G>A on transcript NM_001085487.3 (MANE Select); coding-DNA position 2275, G replaced by A.
Protein change: p.Val759Ile; replaces valine 759 with isoleucine.
Molecular consequence: missense variant.
Genome position (GRCh38, 1-based): chr1:58,661,223, C>T on the plus strand (G>A on the coding strand, the complement: MYSM1 is on the minus strand). VCF-style: chr1-58661223-C-T. GRCh37 (hg19) VCF-style: chr1-59126895-C-T.
Other names: c.2275G>A (NM_001085487.2); short protein forms V759I.
Identifiers: ClinVar variation 1414632 (VCV001414632.7), dbSNP rs772421753, ClinGen allele CA877561.

ClinVar aggregate classification (germline): Uncertain significance. Review status: criteria provided, multiple submitters, no conflicts (2 of 4 stars). 2 submissions from 2 submitters: Uncertain significance (2). Last evaluated 2025-08-01.

Conditions:
Inborn genetic diseases. Identifiers: MedGen C0950123, MeSH D030342.

Allele frequency attached by ClinVar (database versions not stated): TOPMed below 0.00001; gnomAD 0.00001; gnomAD exomes 0.00002 and 0.00004; ExAC 0.00007.
gnomAD v4.1: 37 of 1,612,560 alleles (0.0023%); highest among the groups gnomAD compares: Middle Eastern, 0.099%; no homozygotes.

Submissions (2):

Ambry Genetics
Classification: Uncertain significance for Inborn genetic diseases. Last evaluated: 2025-08-01. Review status: criteria provided, single submitter. Criteria: Ambry Variant Classification Scheme 2023. Collection method: clinical testing. Allele origin: germline.

Labcorp Genetics (formerly Invitae), Labcorp
Classification: Uncertain significance. Last evaluated: 2023-11-27. Review status: criteria provided, single submitter. Criteria: Invitae Variant Classification Sherloc (09022015). Collection method: clinical testing. Allele origin: germline.
Comment: This sequence change replaces valine, which is neutral and non-polar, with isoleucine, which is neutral and non-polar, at codon 759 of the MYSM1 protein (p.Val759Ile). This variant is present in population databases (rs772421753, gnomAD 0.007%). This variant has not been reported in the literature in individuals affected with MYSM1-related conditions. ClinVar contains an entry for this variant (Variation ID: 1414632). Advanced modeling of protein sequence and biophysical properties (such as structural, functional, and spatial information, amino acid conservation, physicochemical variation, residue mobility, and thermodynamic stability) performed at Invitae indicates that this missense variant is not expected to disrupt MYSM1 protein function with a negative predictive value of 80%. In summary, the available evidence is currently insufficient to determine the role of this variant in disease. Therefore, it has been classified as a Variant of Uncertain Significance.